The following is an entry in ClinVar:

NM_000916.4(OXTR):c.510G>T (p.Pro170=)

Gene: OXTR (oxytocin receptor; minus strand). Cytogenetic location: 3p25.3.
Variant type: single nucleotide variant.
Coding change: c.510G>T on transcript NM_000916.4 (MANE Select); coding-DNA position 510, G replaced by T.
Protein change: p.Pro170=; no amino-acid change (proline 170 retained).
Molecular consequence: synonymous variant.
Genome position (GRCh38, 1-based): chr3:8,767,678, C>A on the plus strand (G>T on the coding strand, the complement: OXTR is on the minus strand). VCF-style: chr3-8767678-C-A. GRCh37 (hg19) VCF-style: chr3-8809364-C-A.
Other names: c.510G>T, p.Pro170= (NM_001354653.2, NM_001354654.2, NM_001354655.2 and 1 more transcripts).
Identifiers: ClinVar variation 3048278 (VCV003048278.2), dbSNP rs182142376, ClinGen allele CA2236587.

ClinVar aggregate classification (germline): Likely benign (0 of 4 stars; one submission).

Conditions:
OXTR-related disorder. Also called: OXTR-related condition.

Allele frequency attached by ClinVar (database versions not stated): gnomAD 0.00018; TOPMed 0.00019; 1000 Genomes Project 0.00040; 1000 Genomes Project 30x 0.00047; ESP Exome Variant Server 0.00062.

Submission:

PreventionGenetics, part of Exact Sciences
Classification: Likely benign for OXTR-related condition. Last evaluated: 2019-11-18. Review status: no assertion criteria provided. Collection method: clinical testing. Allele origin: germline.
Comment: This variant is classified as likely benign based on ACMG/AMP sequence variant interpretation guidelines (Richards et al. 2015 PMID: 25741868, with internal and published modifications).